The following is an entry in ClinVar:

NM_198075.4(LRRC56):c.478del (p.Glu160fs)

Gene: LRRC56 (leucine rich repeat containing 56; plus strand). Cytogenetic location: 11p15.5.
Variant type: Deletion.
Coding change: c.478del on transcript NM_198075.4 (MANE Select); coding-DNA position 478, one base deleted (G; older notation c.478delG).
Protein change: p.Glu160fs; shifts the reading frame from glutamic acid 160.
Molecular consequence: frameshift variant.
Genome position (GRCh38, 1-based): chr11:550,126, G deleted; the last of 2 consecutive G bases (chr11:550,125-550,126); deleting either gives the same sequence. VCF-style (leftmost placement, unchanged base first): chr11-550124-TG-T. GRCh37 (hg19) VCF-style: chr11-550124-TG-T.
Other names: short protein forms E160fs.
Identifiers: ClinVar variation 1469816 (VCV001469816.6), dbSNP rs1221197180, ClinGen allele CA472323722.
Genomic context (GRCh38, chr11:550,124, plus strand): 5'-CTGCCCAGGAACTCTACGCCTCCTACAACAACATCTCGGACCTGAGCCCACTGTGCCTGC[TG>T]GAACAATTGGAGGTGCTGGACCTGGAGGGCAACAGCGTGGAGGACCTGGGGCAGGTGCGC-3'

ClinVar aggregate classification (germline): Pathogenic (1 of 4 stars; one submission).

Submission:

Labcorp Genetics (formerly Invitae), Labcorp
Classification: Pathogenic. Last evaluated: 2025-09-02. Review status: criteria provided, single submitter. Criteria: Invitae Variant Classification Sherloc (09022015). Collection method: clinical testing. Allele origin: germline.
Comment: This sequence change creates a premature translational stop signal (p.Glu160Asnfs*60) in the LRRC56 gene. It is expected to result in an absent or disrupted protein product. Loss-of-function variants in LRRC56 are known to be pathogenic (PMID: 30388400). This variant is present in population databases (no rsID available, gnomAD 0.0009%). This variant has not been reported in the literature in individuals affected with LRRC56-related conditions. ClinVar contains an entry for this variant (Variation ID: 1469816). Experimental studies and prediction algorithms are not available or were not evaluated, and the functional significance of this variant is currently unknown. For these reasons, this variant has been classified as Pathogenic.

Literature cited by the submitters: PubMed 30388400.